The following is an entry in ClinVar:

NM_014679.5(CEP57):c.457A>G (p.Met153Val)

Gene: CEP57 (centrosomal protein 57; plus strand). Cytogenetic location: 11q21.
Variant type: single nucleotide variant.
Coding change: c.457A>G on transcript NM_014679.5 (MANE Select); coding-DNA position 457, A replaced by G.
Protein change: p.Met153Val; replaces methionine 153 with valine.
Molecular consequence: missense variant.
Genome position (GRCh38, 1-based): chr11:95,813,542, A>G. VCF-style: chr11-95813542-A-G. GRCh37 (hg19) VCF-style: chr11-95546706-A-G.
Other names: c.430A>G, p.Met144Val (NM_001243776.2); c.457A>G, p.Met153Val (NM_001243777.2); c.376A>G, p.Met126Val (NM_001363604.2); short protein forms M144V, M153V, M126V.
Identifiers: ClinVar variation 3832014 (VCV003832014.1).

ClinVar aggregate classification (germline): Uncertain significance (1 of 4 stars; one submission).

Conditions:
Inborn genetic diseases. Identifiers: MedGen C0950123, MeSH D030342.

Submission:

Ambry Genetics
Classification: Uncertain significance for Inborn genetic diseases. Last evaluated: 2025-03-08. Review status: criteria provided, single submitter. Criteria: Ambry Variant Classification Scheme 2023. Collection method: clinical testing. Allele origin: germline.
Comment: The p.M153V variant (also known as c.457A>G), located in coding exon 4 of the CEP57 gene, results from an A to G substitution at nucleotide position 457. The methionine at codon 153 is replaced by valine, an amino acid with highly similar properties. This amino acid position is conserved. In addition, the in silico prediction for this alteration is inconclusive. Based on the available evidence, the clinical significance of this variant remains unclear.